The following is an entry in ClinVar:

ClinVar aggregate classification (germline): Uncertain significance (1 of 4 stars; one submission).

Conditions:
Intellectual disability. Also called: Intellectual functioning disability; Intellectual developmental disorder; intellectual disabilities. Identifiers: MedGen C3714756, MeSH D008607, MONDO:0001071, HP:0001249.

Allele frequency attached by ClinVar (database versions not stated): gnomAD exomes 0.00001.
gnomAD v4.1: 3 of 1,614,146 alleles (0.00019%); highest among the groups gnomAD compares: Non-Finnish European, 0.00025%; no homozygotes.

Submission:

Labcorp Genetics (formerly Invitae), Labcorp
Classification: Uncertain significance for Intellectual disability. Last evaluated: 2021-09-04. Review status: criteria provided, single submitter. Criteria: Invitae Variant Classification Sherloc (09022015). Collection method: clinical testing. Allele origin: germline.
Comment: This sequence change replaces alanine with valine at codon 455 of the GABRB2 protein (p.Ala455Val). The alanine residue is moderately conserved and there is a small physicochemical difference between alanine and valine. This variant is not present in population databases (ExAC no frequency). This variant has not been reported in the literature in individuals affected with GABRB2-related conditions. Advanced modeling of protein sequence and biophysical properties (such as structural, functional, and spatial information, amino acid conservation, physicochemical variation, residue mobility, and thermodynamic stability) performed at Invitae indicates that this missense variant is not expected to disrupt GABRB2 protein function. In summary, the available evidence is currently insufficient to determine the role of this variant in disease. Therefore, it has been classified as a Variant of Uncertain Significance.

NM_001371727.1(GABRB2):c.1364C>T (p.Ala455Val)

Gene: GABRB2 (gamma-aminobutyric acid type A receptor subunit beta2; minus strand). Cytogenetic location: 5q34.
Variant type: single nucleotide variant.
Coding change: c.1364C>T on transcript NM_001371727.1 (MANE Select); coding-DNA position 1364, C replaced by T.
Protein change: p.Ala455Val; replaces alanine 455 with valine.
Molecular consequence: missense variant.
Genome position (GRCh38, 1-based): chr5:161,294,256, G>A on the plus strand (C>T on the coding strand, the complement: GABRB2 is on the minus strand). VCF-style: chr5-161294256-G-A. GRCh37 (hg19) VCF-style: chr5-160721263-G-A.
Other names: c.1250C>T, p.Ala417Val (NM_000813.3); c.1364C>T, p.Ala455Val (NM_021911.3); short protein forms A417V, A455V.
Identifiers: ClinVar variation 1361386 (VCV001361386.6), dbSNP rs2113333534, ClinGen allele CA362173301.